The following is an entry in ClinVar:

ClinVar aggregate classification (germline): Uncertain significance (0 of 4 stars; one submission).

Conditions:
MKKS-related disorder. Also called: MKKS-related condition; MKKS-related disorders.

gnomAD v4.1: 3 of 1,614,104 alleles (0.00019%); highest among the groups gnomAD compares: South Asian, 0.0022%; no homozygotes.

Submission:

PreventionGenetics, part of Exact Sciences
Classification: Uncertain significance for MKKS-related condition. Last evaluated: 2024-07-29. Review status: no assertion criteria provided. Collection method: clinical testing. Allele origin: germline.
Comment: The MKKS c.212A>G variant is predicted to result in the amino acid substitution p.His71Arg. To our knowledge, this variant has not been reported in the literature. This variant is reported in 0.0065% of alleles in individuals of European (Non-Finnish) descent in gnomAD. At this time, the clinical significance of this variant is uncertain due to the absence of conclusive functional and genetic evidence.

NM_170784.3(MKKS):c.212A>G (p.His71Arg)

Gene: MKKS (MKKS centrosomal shuttling protein; minus strand). Cytogenetic location: 20p12.2.
Variant type: single nucleotide variant.
Coding change: c.212A>G on transcript NM_170784.3 (MANE Select); coding-DNA position 212, A replaced by G.
Protein change: p.His71Arg; replaces histidine 71 with arginine.
Molecular consequence: missense variant.
Genome position (GRCh38, 1-based): chr20:10,413,303, T>C on the plus strand (A>G on the coding strand, the complement: MKKS is on the minus strand). VCF-style: chr20-10413303-T-C. GRCh37 (hg19) VCF-style: chr20-10393951-T-C.
Other names: c.212A>G, p.His71Arg (NM_018848.3); short protein forms H71R.
Identifiers: ClinVar variation 3347300 (VCV003347300.1).